The following is an entry in ClinVar:

ClinVar aggregate classification (germline): Uncertain significance (1 of 4 stars; one submission).

Submission:

Labcorp Genetics (formerly Invitae), Labcorp
Classification: Uncertain significance. Last evaluated: 2022-06-30. Review status: criteria provided, single submitter. Criteria: Invitae Variant Classification Sherloc (09022015). Collection method: clinical testing. Allele origin: germline.
Comment: In summary, the available evidence is currently insufficient to determine the role of this variant in disease. Therefore, it has been classified as a Variant of Uncertain Significance. Algorithms developed to predict the effect of missense changes on protein structure and function output the following: SIFT: "Tolerated"; PolyPhen-2: "Benign"; Align-GVGD: "Class C0". The proline amino acid residue is found in multiple mammalian species, which suggests that this missense change does not adversely affect protein function. This variant has not been reported in the literature in individuals affected with DTHD1-related conditions. This variant is not present in population databases (gnomAD no frequency). This sequence change replaces serine, which is neutral and polar, with proline, which is neutral and non-polar, at codon 156 of the DTHD1 protein (p.Ser156Pro).

NM_001170700.3(DTHD1):c.1336T>C (p.Ser446Pro)

Gene: DTHD1 (death domain containing 1; plus strand). Cytogenetic location: 4p14.
Variant type: single nucleotide variant.
Coding change: c.1336T>C on transcript NM_001170700.3 (MANE Select); coding-DNA position 1336, T replaced by C.
Protein change: p.Ser446Pro; replaces serine 446 with proline.
Molecular consequence: missense variant. On other transcripts: non-coding transcript variant (2).
Genome position (GRCh38, 1-based): chr4:36,293,643, T>C. VCF-style: chr4-36293643-T-C. GRCh37 (hg19) VCF-style: chr4-36295265-T-C.
Other names: c.466T>C, p.Ser156Pro (NM_001136536.5); c.403T>C, p.Ser135Pro (NM_001378435.1); short protein forms S446P, S135P, S156P.
Identifiers: ClinVar variation 2011928 (VCV002011928.4), dbSNP rs2529727181, ClinGen allele CA356679579.